The following is an entry in ClinVar:

NM_031935.3(HMCN1):c.4828G>A (p.Val1610Ile)

Gene: HMCN1 (hemicentin 1; plus strand). Cytogenetic location: 1q31.1.
Variant type: single nucleotide variant.
Coding change: c.4828G>A on transcript NM_031935.3 (MANE Select); coding-DNA position 4828, G replaced by A.
Protein change: p.Val1610Ile; replaces valine 1610 with isoleucine.
Molecular consequence: missense variant.
Genome position (GRCh38, 1-based): chr1:186,015,356, G>A. VCF-style: chr1-186015356-G-A. GRCh37 (hg19) VCF-style: chr1-185984488-G-A.
Other names: short protein forms V1610I.
Identifiers: ClinVar variation 294154 (VCV000294154.10), dbSNP rs201176937, ClinGen allele CA1292110.

ClinVar aggregate classification (germline): Likely benign. Review status: criteria provided, multiple submitters, no conflicts (2 of 4 stars). 3 submissions from 3 submitters: Likely benign (3). Last evaluated 2026-01-18.

Conditions:
Age related macular degeneration 1 (ARMD1). Also called: MACULOPATHY, AGE-RELATED, 1. Identifiers: MedGen C1864205, MONDO:0011285, OMIM 603075.

Allele frequency attached by ClinVar (database versions not stated): gnomAD 0.00008 and 0.00010; TOPMed 0.00010; ExAC 0.00021; gnomAD exomes 0.00026; 1000 Genomes Project 30x 0.00047; 1000 Genomes Project 0.00060.
gnomAD v4.1: 88 of 1,613,720 alleles (0.0055%); highest among the groups gnomAD compares: East Asian, 0.19%; no homozygotes.

Submissions (3):

Labcorp Genetics (formerly Invitae), Labcorp
Classification: Likely benign. Last evaluated: 2026-01-18. Review status: criteria provided, single submitter. Criteria: Invitae Variant Classification Sherloc (09022015). Collection method: clinical testing. Allele origin: germline.

Genome-Nilou Lab
Classification: Likely benign for Age related macular degeneration 1. Last evaluated: 2023-04-11. Review status: criteria provided, single submitter. Criteria: ACMG Guidelines, 2015. Collection method: clinical testing. Allele origin: germline. Affected: no.

Illumina Laboratory Services, Illumina
Classification: Likely benign for Age related macular degeneration 1. Last evaluated: 2018-01-13. Review status: criteria provided, single submitter. Criteria: ICSL Variant Classification Criteria 13 December 2019. Collection method: clinical testing. Allele origin: germline.
Comment: This variant was observed in the ICSL laboratory as part of a predisposition screen in an ostensibly healthy population. It had not been previously curated by ICSL or reported in the Human Gene Mutation Database (HGMD: prior to June 1st, 2018), and was therefore a candidate for classification through an automated scoring system. Utilizing variant allele frequency, disease prevalence and penetrance estimates, and inheritance mode, an automated score was calculated to assess if this variant is too frequent to cause the disease. Based on the score and internal cut-off values, a variant classified as likely benign is not then subjected to further curation. The score for this variant resulted in a classification of likely benign for this disease.